The following is an entry in ClinVar:

ClinVar aggregate classification (germline): Uncertain significance (1 of 4 stars; one submission).

Conditions:
Epidermolysis bullosa simplex 3, localized or generalized intermediate, with BP230 deficiency (EBS3). Also called: Epidermolysis bullosa simplex, autosomal recessive 2; Epidermolysis bullosa simplex due to BP230 deficiency. Identifiers: Orphanet 412181, MedGen C3809470, MONDO:0014180, OMIM 615425.
Hereditary sensory and autonomic neuropathy type 6. Also called: HSAN VI; Neuropathy, hereditary sensory and autonomic, type VI. Identifiers: Orphanet 314381, MedGen C3539003, MONDO:0013839, OMIM 614653.

Allele frequency attached by ClinVar (database versions not stated): TOPMed below 0.00001; gnomAD 0.00001; gnomAD exomes 0.00002.
gnomAD v4.1: 32 of 1,614,070 alleles (0.002%); highest among the groups gnomAD compares: Non-Finnish European, 0.0027%; no homozygotes.

Submission:

Labcorp Genetics (formerly Invitae), Labcorp
Classification: Uncertain significance for Epidermolysis bullosa simplex 3, localized or generalized intermediate, with BP230 deficiency; Hereditary sensory and autonomic neuropathy type 6. Last evaluated: 2023-11-27. Review status: criteria provided, single submitter. Criteria: Invitae Variant Classification Sherloc (09022015). Collection method: clinical testing. Allele origin: germline.
Comment: This sequence change replaces glutamic acid, which is acidic and polar, with glycine, which is neutral and non-polar, at codon 1802 of the DST protein (p.Glu1802Gly). This variant is present in population databases (no rsID available, gnomAD 0.002%). This variant has not been reported in the literature in individuals affected with DST-related conditions. ClinVar contains an entry for this variant (Variation ID: 2140271). An algorithm developed to predict the effect of missense changes on protein structure and function (PolyPhen-2) suggests that this variant¬†is likely to be tolerated. In summary, the available evidence is currently insufficient to determine the role of this variant in disease. Therefore, it has been classified as a Variant of Uncertain Significance.

NM_001723.7(DST):c.5405A>G (p.Glu1802Gly)

Gene: DST (dystonin; minus strand). Cytogenetic location: 6p12.1.
Variant type: single nucleotide variant.
Coding change: c.5405A>G on transcript NM_001723.7 (MANE Plus Clinical); coding-DNA position 5405, A replaced by G.
Protein change: p.Glu1802Gly; replaces glutamic acid 1802 with glycine.
Molecular consequence: missense variant. On other transcripts: intron variant (10).
Genome position (GRCh38, 1-based): chr6:56,618,629, T>C on the plus strand (A>G on the coding strand, the complement: DST is on the minus strand). VCF-style: chr6-56618629-T-C. GRCh37 (hg19) VCF-style: chr6-56483427-T-C.
Other names: c.4831-4145A>G (NM_001144769.5); c.4930-4145A>G (NM_001374722.1, NM_001374736.1); c.4957-4145A>G (NM_001374734.1); c.4417-4145A>G (NM_001144770.2); c.4297-4145A>G (NM_001374730.1, NM_001386100.1, NM_183380.4 and 1 more transcripts); c.3319-4145A>G (NM_015548.5); short protein forms E1802G.
Identifiers: ClinVar variation 2140271 (VCV002140271.2), dbSNP rs1184753425, ClinGen allele CA364567454.